The following is an entry in ClinVar:

NM_021083.4(XK):c.243C>G (p.Phe81Leu)

Gene: XK (X-linked Kx blood group antigen, Kell and VPS13A binding protein; plus strand). Cytogenetic location: Xp21.1.
Variant type: single nucleotide variant.
Coding change: c.243C>G on transcript NM_021083.4 (MANE Select); coding-DNA position 243, C replaced by G.
Protein change: p.Phe81Leu; replaces phenylalanine 81 with leucine.
Molecular consequence: missense variant.
Genome position (GRCh38, 1-based): chrX:37,686,204, C>G. VCF-style: chrX-37686204-C-G. GRCh37 (hg19) VCF-style: chrX-37545457-C-G.
Other names: short protein forms F81L.
Identifiers: ClinVar variation 2695229 (VCV002695229.3), dbSNP rs2519136054, ClinGen allele CA412969320.
Genomic context (GRCh38, chrX:37,686,204, plus strand): 5'-CCTCAGCCGCGACCGCCCGCTCGTACTGCTGCTGCACCTGCTGCAACTTGGGCCCCTTTT[C>G]AGGTGCGTGCAGAAGCCCAGAGCCAGCCCCAGGCCGCAGCCTCGGTCCTGTAGCCTGATC-3'
Protein context (NP_066569.1, residues 71-91): LLHLLQLGPL[Phe81Leu]RCFEVFCIYF

ClinVar aggregate classification (germline): Uncertain significance (1 of 4 stars; one submission).

Submission:

Labcorp Genetics (formerly Invitae), Labcorp
Classification: Uncertain significance. Last evaluated: 2023-11-19. Review status: criteria provided, single submitter. Criteria: Invitae Variant Classification Sherloc (09022015). Collection method: clinical testing. Allele origin: germline.
Comment: This sequence change replaces phenylalanine, which is neutral and non-polar, with leucine, which is neutral and non-polar, at codon 81 of the XK protein (p.Phe81Leu). This variant is not present in population databases (gnomAD no frequency). This variant has not been reported in the literature in individuals affected with XK-related conditions. Advanced modeling of protein sequence and biophysical properties (such as structural, functional, and spatial information, amino acid conservation, physicochemical variation, residue mobility, and thermodynamic stability) performed at Invitae indicates that this missense variant is not expected to disrupt XK protein function with a negative predictive value of 80%. In summary, the available evidence is currently insufficient to determine the role of this variant in disease. Therefore, it has been classified as a Variant of Uncertain Significance.